The following is an entry in ClinVar:

NM_001383.6(DPH1):c.919C>T (p.Arg307Ter)

Gene: DPH1 (diphthamide biosynthesis 1; plus strand). Cytogenetic location: 17p13.3.
Variant type: single nucleotide variant.
Coding change: c.919C>T on transcript NM_001383.6 (MANE Select); coding-DNA position 919, C replaced by T.
Protein change: p.Arg307Ter; replaces arginine 307 with a stop codon.
Molecular consequence: nonsense. On other transcripts: non-coding transcript variant (3).
Genome position (GRCh38, 1-based): chr17:2,040,517, C>T. VCF-style: chr17-2040517-C-T. GRCh37 (hg19) VCF-style: chr17-1943811-C-T.
Other names: c.871C>T, p.Arg291Ter (NM_001346574.1); c.838C>T, p.Arg280Ter (NM_001346575.1); c.514C>T, p.Arg172Ter (NM_001346576.2); short protein forms R172*, R280*, R291*, R307*.
Identifiers: ClinVar variation 3339380 (VCV003339380.1).

ClinVar aggregate classification (germline): Pathogenic (1 of 4 stars; one submission).

Conditions:
Developmental delay with short stature, dysmorphic facial features, and sparse hair 1. Also called: LOUCKS-INNES SYNDROME. Identifiers: MedGen CN323360, MONDO:0800438, OMIM 616901.

Submission:

Women's Health and Genetics/Laboratory Corporation of America, LabCorp
Classification: Pathogenic for Developmental delay with short stature, dysmorphic facial features, and sparse hair 1. Last evaluated: 2024-07-23. Review status: criteria provided, single submitter. Criteria: LabCorp Variant Classification Summary - May 2015. Collection method: clinical testing. Allele origin: germline.
Comment: Variant summary: DPH1 c.919C>T (p.Arg307X; also known as R312* in the literature) results in a premature termination codon, predicted to cause a truncation of the encoded protein or absence of the protein due to nonsense mediated decay, which are commonly known mechanisms for disease. The variant allele was found at a frequency of 4e-06 in 249522 control chromosomes (gnomAD). To our knowledge, no occurrence of c.919C>T in individuals affected with developmental delay with short Stature, dysmorphic facial features, and sparse hair 1 has been reported. At least one publication reports experimental evidence evaluating an impact on protein function, however, does not allow convincing conclusions about the variant effect (Mayer_2017). The following publication has been ascertained in the context of this evaluation (PMID: 28245596). No submitters have cited clinical-significance assessments for this variant to ClinVar. Based on the evidence outlined above, the variant was classified as pathogenic.

Literature cited by the submitters: PubMed 28245596.